The following is an entry in ClinVar:

NM_145068.4(TRPV3):c.1654G>A (p.Val552Met)

Gene: TRPV3 (transient receptor potential cation channel subfamily V member 3; minus strand). Cytogenetic location: 17p13.2.
Variant type: single nucleotide variant.
Coding change: c.1654G>A on transcript NM_145068.4 (MANE Select); coding-DNA position 1654, G replaced by A.
Protein change: p.Val552Met; replaces valine 552 with methionine.
Molecular consequence: missense variant.
Genome position (GRCh38, 1-based): chr17:3,524,287, C>T on the plus strand (G>A on the coding strand, the complement: TRPV3 is on the minus strand). VCF-style: chr17-3524287-C-T. GRCh37 (hg19) VCF-style: chr17-3427581-C-T.
Other names: c.1654G>A, p.Val552Met (NM_001258205.2); short protein forms V552M.
Identifiers: ClinVar variation 322764 (VCV000322764.12), dbSNP rs150743616, ClinGen allele CA8289368.

ClinVar aggregate classification (germline): Conflicting classifications of pathogenicity. Review status: criteria provided, conflicting classifications (1 of 4 stars). 4 submissions from 4 submitters: Uncertain significance (1); Benign (1); Likely benign (1). 1 of the submissions does not count toward it. Last evaluated 2025-09-08.

Conditions:
TRPV3-related disorder. Also called: TRPV3-related condition.
Isolated focal non-epidermolytic palmoplantar keratoderma. Also called: Palmoplantar keratoderma, nonepidermolytic, focal 2. Identifiers: Orphanet 448264, MedGen C4225339, MONDO:0014622, OMIM 616400.

Allele frequency attached by ClinVar (database versions not stated): gnomAD exomes 0.00108 and 0.00058; 1000 Genomes Project 30x 0.00016; 1000 Genomes Project 0.00020; ExAC 0.00058; gnomAD 0.00067 and 0.00070; TOPMed 0.00077; ESP Exome Variant Server 0.00108.
gnomAD v4.1: 1,654 of 1,614,220 alleles (0.1%); highest among the groups gnomAD compares: Non-Finnish European, 0.13%; no homozygotes.

Submissions (4):

Labcorp Genetics (formerly Invitae), Labcorp
Classification: Likely benign. Last evaluated: 2025-09-08. Review status: criteria provided, single submitter. Criteria: Invitae Variant Classification Sherloc (09022015). Collection method: clinical testing. Allele origin: germline.

GeneDx
Classification: Uncertain significance. Last evaluated: 2025-08-14. Review status: criteria provided, single submitter. Criteria: GeneDx Variant Classification Process June 2021. Collection method: clinical testing. Allele origin: germline. Affected: yes.
Comment: In silico analysis supports that this missense variant has a deleterious effect on protein structure/function; Has not been previously published as pathogenic or benign to our knowledge

Illumina Laboratory Services, Illumina
Classification: Benign for Isolated focal non-epidermolytic palmoplantar keratoderma. Last evaluated: 2018-01-13. Review status: criteria provided, single submitter. Criteria: ICSL Variant Classification Criteria 13 December 2019. Collection method: clinical testing. Allele origin: germline.
Comment: This variant was observed in the ICSL laboratory as part of a predisposition screen in an ostensibly healthy population. It had not been previously curated by ICSL or reported in the Human Gene Mutation Database (HGMD: prior to June 1st, 2018), and was therefore a candidate for classification through an automated scoring system. Utilizing variant allele frequency, disease prevalence and penetrance estimates, and inheritance mode, an automated score was calculated to assess if this variant is too frequent to cause the disease. Based on the score and internal cut-off values, a variant classified as benign is not then subjected to further curation. The score for this variant resulted in a classification of benign for this disease.

PreventionGenetics, part of Exact Sciences
Classification: Likely benign for TRPV3-related condition. Last evaluated: 2023-05-25. Review status: no assertion criteria provided. Collection method: clinical testing. Allele origin: germline. Not counted in ClinVar's aggregate classification.
Comment: This variant is classified as likely benign based on ACMG/AMP sequence variant interpretation guidelines (Richards et al. 2015 PMID: 25741868, with internal and published modifications).